The following is an entry in ClinVar:

ClinVar aggregate classification (germline): Benign (1 of 4 stars; one submission).

gnomAD v4.1: 634 of 739,048 alleles (0.086%); highest among the groups gnomAD compares: African/African-American, 0.95%; 3 homozygotes.

Submission:

Dasa
Classification: Benign. Last evaluated: 2025-12-18. Review status: criteria provided, single submitter. Criteria: DASA Assertion Criteria. Collection method: clinical testing. Allele origin: germline.
Comment: NM_003072.5(SMARCA4):c.3952-119G>A is interpreted as benign based on a combination of available evidence, including population frequency, observations in unaffected individuals, and the mechanism of disease or impacted region being inconsistent with a known cause of pathogenicity. Based on the available data, this variant is classified as benign.

NM_003072.5(SMARCA4):c.3952-119G>A

Gene: SMARCA4 (SWI/SNF related BAF chromatin remodeling complex subunit ATPase 4; plus strand). Cytogenetic location: 19p13.2.
Variant type: single nucleotide variant.
Coding change: c.3952-119G>A on transcript NM_003072.5 (MANE Select); 119 bases into the intron before coding-DNA position 3952, G replaced by A.
Molecular consequence: intron variant.
Genome position (GRCh38, 1-based): chr19:11,034,795, G>A. VCF-style: chr19-11034795-G-A. GRCh37 (hg19) VCF-style: chr19-11145471-G-A.
Other names: c.3952-119G>A (NM_001128844.3, NM_001128849.3, NM_001387283.1); c.3853-119G>A (NM_001128847.4, NM_001411150.1, NM_001374457.1 and 3 more transcripts).
Identifiers: ClinVar variation 4851928 (VCV004851928.1).